The following is an entry in ClinVar:

NM_001330723.2(SNX27):c.406C>T (p.Pro136Ser)

Gene: SNX27 (sorting nexin 27; plus strand). Cytogenetic location: 1q21.3.
Variant type: single nucleotide variant.
Coding change: c.406C>T on transcript NM_001330723.2 (MANE Select); coding-DNA position 406, C replaced by T.
Protein change: p.Pro136Ser; replaces proline 136 with serine.
Molecular consequence: missense variant.
Genome position (GRCh38, 1-based): chr1:151,638,982, C>T. VCF-style: chr1-151638982-C-T. GRCh37 (hg19) VCF-style: chr1-151611458-C-T.
Other names: c.406C>T, p.Pro136Ser (NM_030918.6); short protein forms P136S.
Identifiers: ClinVar variation 1417274 (VCV001417274.8), dbSNP rs749569161, ClinGen allele CA1093411.

ClinVar aggregate classification (germline): Uncertain significance (1 of 4 stars; one submission).

Conditions:
Severe myoclonic epilepsy in infancy (DRVT). Also called: Dravet syndrome; SEVERE MYOCLONIC EPILEPSY OF INFANCY; DEVELOPMENTAL AND EPILEPTIC ENCEPHALOPATHY 6A; Severe Myoclonic Epilepsy in Infancy (SMEI); Epileptic encephalopathy, early infantile, 6 (Dravet syndrome). Identifiers: Orphanet 33069, MedGen C0751122, MONDO:0100135, OMIM 607208.

Allele frequency attached by ClinVar (database versions not stated): gnomAD exomes below 0.00001 and 0.00001; TOPMed below 0.00001; ExAC 0.00001.
gnomAD v4.1: 2 of 1,614,070 alleles (0.00012%); highest among the groups gnomAD compares: East Asian, 0.0045%; no homozygotes.

Submission:

Labcorp Genetics (formerly Invitae), Labcorp
Classification: Uncertain significance for Severe myoclonic epilepsy in infancy. Last evaluated: 2021-07-31. Review status: criteria provided, single submitter. Criteria: Invitae Variant Classification Sherloc (09022015). Collection method: clinical testing. Allele origin: germline.
Comment: In summary, the available evidence is currently insufficient to determine the role of this variant in disease. Therefore, it has been classified as a Variant of Uncertain Significance. Algorithms developed to predict the effect of missense changes on protein structure and function are either unavailable or do not agree on the potential impact of this missense change (SIFT: "Deleterious"; PolyPhen-2: "Probably Damaging"; Align-GVGD: "Class C0"). This variant has not been reported in the literature in individuals affected with SNX27-related conditions. This variant is present in population databases (rs749569161, ExAC 0.01%). This sequence change replaces proline with serine at codon 136 of the SNX27 protein (p.Pro136Ser). The proline residue is highly conserved and there is a moderate physicochemical difference between proline and serine.